The following is an entry in ClinVar:

ClinVar aggregate classification (germline): Uncertain significance (1 of 4 stars; one submission).

Conditions:
Familial cold autoinflammatory syndrome 2 (FCAS2). Identifiers: Orphanet 247868, MedGen C2673198, MONDO:0012724, OMIM 611762.

Allele frequency attached by ClinVar (database versions not stated): TOPMed 0.00001.
gnomAD v4.1: 6 of 1,612,458 alleles (0.00037%); highest among the groups gnomAD compares: Non-Finnish European, 0.00042%; no homozygotes.

Submission:

Labcorp Genetics (formerly Invitae), Labcorp
Classification: Uncertain significance for Familial cold autoinflammatory syndrome 2. Last evaluated: 2024-02-05. Review status: criteria provided, single submitter. Criteria: Invitae Variant Classification Sherloc (09022015). Collection method: clinical testing. Allele origin: germline.
Comment: This sequence change replaces arginine, which is basic and polar, with serine, which is neutral and polar, at codon 206 of the NLRP12 protein (p.Arg206Ser). This variant is present in population databases (rs111754022, gnomAD 0.0009%). This variant has not been reported in the literature in individuals affected with NLRP12-related conditions. ClinVar contains an entry for this variant (Variation ID: 855435). Advanced modeling of protein sequence and biophysical properties (such as structural, functional, and spatial information, amino acid conservation, physicochemical variation, residue mobility, and thermodynamic stability) performed at Invitae indicates that this missense variant is not expected to disrupt NLRP12 protein function with a negative predictive value of 80%. In summary, the available evidence is currently insufficient to determine the role of this variant in disease. Therefore, it has been classified as a Variant of Uncertain Significance.

NM_144687.4(NLRP12):c.616C>A (p.Arg206Ser)

Gene: NLRP12 (NLR family pyrin domain containing 12; minus strand). Cytogenetic location: 19q13.42.
Variant type: single nucleotide variant.
Coding change: c.616C>A on transcript NM_144687.4 (MANE Select); coding-DNA position 616, C replaced by A.
Protein change: p.Arg206Ser; replaces arginine 206 with serine.
Molecular consequence: missense variant.
Genome position (GRCh38, 1-based): chr19:53,811,043, G>T on the plus strand (C>A on the coding strand, the complement: NLRP12 is on the minus strand). VCF-style: chr19-53811043-G-T. GRCh37 (hg19) VCF-style: chr19-54314297-G-T.
Other names: c.616C>A, p.Arg206Ser (NM_001277126.2, NM_001277129.1); short protein forms R206S.
Identifiers: ClinVar variation 855435 (VCV000855435.9), dbSNP rs111754022, ClinGen allele CA9639661.
Genomic context (GRCh38, chr19:53,811,043, plus strand): 5'-GCATGGACTTGCCTATCCCTGCCGCGCCTTGCATGACCACGGTGCGCGGTGGCTCGGGGC[G>T]CTCCTCGTCTGGCTCAAAGAGGGTCTCTATCTTGATGGGGCTAGCCTGGTGTCCCACGGT-3'
Protein context (NP_653288.1, residues 196-216): IETLFEPDEE[Arg206Ser]PEPPRTVVMQ